The following is an entry in ClinVar:

ClinVar aggregate classification (germline): Pathogenic (1 of 4 stars; one submission).

Conditions:
Polycystic kidney disease 4 (PKD4). Also called: PKD3; Autosomal Recessive Polycystic Kidney Disease – PKHD1; POLYCYSTIC KIDNEY AND HEPATIC DISEASE 1; POLYCYSTIC KIDNEY DISEASE, INFANTILE, TYPE I; POLYCYSTIC KIDNEY DISEASE 4 WITH OR WITHOUT POLYCYSTIC LIVER DISEASE. Identifiers: MedGen C4540575, MONDO:0033004, OMIM 263200.

Submission:

Myriad Genetics, Inc.
Classification: Pathogenic for Polycystic kidney disease 4. Last evaluated: 2025-09-11. Review status: criteria provided, single submitter. Criteria: Myriad Autosomal Dominant, Autosomal Recessive and X-Linked Classification Criteria (2023). Collection method: clinical testing. Allele origin: unknown.
Comment: NM_138694.3(PKHD1):c.4484_4490del7(T1495Sfs*3) is expected to be pathogenic in the context of autosomal recessive polycystic kidney disease, PKHD1-related. This variant is predicted to lead to an abnormal or absent protein product due to the creation of a premature termination codon in PKHD1, a gene where loss-of-function variants are known to be pathogenic. Please note: this variant was assessed in the context of healthy population screening.

NM_138694.4(PKHD1):c.4484_4490del (p.Thr1495fs)

Gene: PKHD1 (PKHD1 ciliary IPT domain containing fibrocystin/polyductin; minus strand). Cytogenetic location: 6p12.2.
Variant type: Deletion.
Coding change: c.4484_4490del on transcript NM_138694.4 (MANE Select); coding-DNA positions 4484 to 4490, 7 bases deleted (CCAGTGG; older notation c.4484_4490delCCAGTGG).
Protein change: p.Thr1495fs; shifts the reading frame from threonine 1495.
Molecular consequence: frameshift variant.
Genome position (GRCh38, 1-based): chr6:52,025,320-52,025,326, CCACTGG deleted on the plus strand (CCAGTGG on the coding strand, the reverse complement: PKHD1 is on the minus strand). VCF-style (leftmost placement, unchanged base first): chr6-52025319-CCCACTGG-C. GRCh37 (hg19) VCF-style: chr6-51890117-CCCACTGG-C.
Other names: c.4484_4490del, p.Thr1495fs (NM_170724.3); short protein forms T1495fs.
Identifiers: ClinVar variation 5014963 (VCV005014963.1).